The following is an entry in ClinVar:

ClinVar aggregate classification (germline): Uncertain significance (1 of 4 stars; one submission).

Conditions:
Cohen syndrome (COH1). Also called: PEPPER SYNDROME; Cutis verticis gyrata, retinitis pigmentosa, and sensorineural deafness. Identifiers: Orphanet 193, MedGen C0265223, MONDO:0008999, OMIM 216550.

gnomAD v4.1: 1 of 1,613,692 alleles (0.000062%); highest among the groups gnomAD compares: African/African-American, 0.0013%; no homozygotes.

Submission:

Labcorp Genetics (formerly Invitae), Labcorp
Classification: Uncertain significance for Cohen syndrome. Last evaluated: 2025-05-27. Review status: criteria provided, single submitter. Criteria: Invitae Variant Classification Sherloc (09022015). Collection method: clinical testing. Allele origin: germline.
Comment: This sequence change replaces asparagine, which is neutral and polar, with serine, which is neutral and polar, at codon 1761 of the VPS13B protein (p.Asn1761Ser). This variant is not present in population databases (gnomAD no frequency). This variant has not been reported in the literature in individuals affected with VPS13B-related conditions. Invitae Evidence Modeling of protein sequence and biophysical properties (such as structural, functional, and spatial information, amino acid conservation, physicochemical variation, residue mobility, and thermodynamic stability) indicates that this missense variant is not expected to disrupt VPS13B protein function with a negative predictive value of 80%. In summary, the available evidence is currently insufficient to determine the role of this variant in disease. Therefore, it has been classified as a Variant of Uncertain Significance.

NM_152564.5(VPS13B):c.5207A>G (p.Asn1736Ser)

Gene: VPS13B (vacuolar protein sorting 13 homolog B; plus strand). Cytogenetic location: 8q22.2.
Variant type: single nucleotide variant.
Coding change: c.5207A>G on transcript NM_152564.5 (MANE Select); coding-DNA position 5207, A replaced by G.
Protein change: p.Asn1736Ser; replaces asparagine 1736 with serine.
Molecular consequence: missense variant.
Genome position (GRCh38, 1-based): chr8:99,577,620, A>G. VCF-style: chr8-99577620-A-G. GRCh37 (hg19) VCF-style: chr8-100589848-A-G.
Other names: c.5282A>G, p.Asn1761Ser (NM_017890.5); short protein forms N1736S, N1761S.
Identifiers: ClinVar variation 4698916 (VCV004698916.1).
Genomic context (GRCh38, chr8:99,577,620, plus strand): 5'-CTCAAGTTCAACTCTTACATCAGTTAATAGTAGCAAATATGACTGGACTGGAACCATCAA[A>G]CAAGGCTGCAGAGGTAACTGTTACCTGATTTTGATCAGGCTTACTGCATTTGTTCCAACT-3'
Protein context (NP_689777.3, residues 1726-1746): VANMTGLEPS[Asn1736Ser]KAAEISKQEQ